The following is an entry in ClinVar:

NM_020163.3(SEMA3G):c.1062C>T (p.Asn354=)

Gene: SEMA3G (semaphorin 3G; minus strand). Cytogenetic location: 3p21.1.
Variant type: single nucleotide variant.
Coding change: c.1062C>T on transcript NM_020163.3 (MANE Select); coding-DNA position 1062, C replaced by T.
Protein change: p.Asn354=; no amino-acid change (asparagine 354 retained).
Molecular consequence: synonymous variant.
Genome position (GRCh38, 1-based): chr3:52,440,458, G>A on the plus strand (C>T on the coding strand, the complement: SEMA3G is on the minus strand). VCF-style: chr3-52440458-G-A. GRCh37 (hg19) VCF-style: chr3-52474474-G-A.
Identifiers: ClinVar variation 3047495 (VCV003047495.2), dbSNP rs199844708, ClinGen allele CA2438071.

ClinVar aggregate classification (germline): Likely benign (0 of 4 stars; one submission).

Conditions:
SEMA3G-related disorder. Also called: SEMA3G-related condition.

Allele frequency attached by ClinVar (database versions not stated): gnomAD 0.00012; TOPMed 0.00012; ExAC 0.00017; gnomAD exomes 0.00018.
gnomAD v4.1: 292 of 1,606,292 alleles (0.018%); highest among the groups gnomAD compares: South Asian, 0.1%; 1 homozygote.

Submission:

PreventionGenetics, part of Exact Sciences
Classification: Likely benign for SEMA3G-related condition. Last evaluated: 2021-05-26. Review status: no assertion criteria provided. Collection method: clinical testing. Allele origin: germline.
Comment: This variant is classified as likely benign based on ACMG/AMP sequence variant interpretation guidelines (Richards et al. 2015 PMID: 25741868, with internal and published modifications).